The following is an entry in ClinVar:

NM_015450.3(POT1):c.1381A>G (p.Ser461Gly)

Gene: POT1 (protection of telomeres 1; minus strand). Cytogenetic location: 7q31.33.
Variant type: single nucleotide variant.
Coding change: c.1381A>G on transcript NM_015450.3 (MANE Select); coding-DNA position 1381, A replaced by G.
Protein change: p.Ser461Gly; replaces serine 461 with glycine.
Molecular consequence: missense variant. On other transcripts: non-coding transcript variant (3).
Genome position (GRCh38, 1-based): chr7:124,835,403, T>C on the plus strand (A>G on the coding strand, the complement: POT1 is on the minus strand). VCF-style: chr7-124835403-T-C. GRCh37 (hg19) VCF-style: chr7-124475457-T-C.
Other names: c.988A>G, p.Ser330Gly (NM_001042594.2); short protein forms S330G, S461G.
Identifiers: ClinVar variation 1771289 (VCV001771289.2), dbSNP rs762019631, ClinGen allele CA369066045.

ClinVar aggregate classification (germline): Uncertain significance (1 of 4 stars; one submission).

Conditions:
Hereditary cancer-predisposing syndrome. Also called: Hereditary Cancer Syndrome; Hereditary neoplastic syndrome; Neoplastic Syndromes, Hereditary; Tumor predisposition. Identifiers: Orphanet 140162, MedGen C0027672, MeSH D009386, MONDO:0015356.

Submission:

Ambry Genetics
Classification: Uncertain significance for Hereditary cancer-predisposing syndrome. Last evaluated: 2022-03-20. Review status: criteria provided, single submitter. Criteria: Ambry Variant Classification Scheme 2023. Collection method: clinical testing. Allele origin: germline.
Comment: The p.S461G variant (also known as c.1381A>G), located in coding exon 11 of the POT1 gene, results from an A to G substitution at nucleotide position 1381. The serine at codon 461 is replaced by glycine, an amino acid with similar properties. This amino acid position is conserved. In addition, this alteration is predicted to be tolerated by in silico analysis. Since supporting evidence is limited at this time, the clinical significance of this alteration remains unclear.